The following is an entry in ClinVar:

ClinVar aggregate classification (germline): Uncertain significance (1 of 4 stars; one submission).

gnomAD v4.1: 1 of 1,614,166 alleles (0.000062%); highest among the groups gnomAD compares: African/African-American, 0.0013%; no homozygotes.

Submission:

Labcorp Genetics (formerly Invitae), Labcorp
Classification: Uncertain significance. Last evaluated: 2024-02-24. Review status: criteria provided, single submitter. Criteria: Invitae Variant Classification Sherloc (09022015). Collection method: clinical testing. Allele origin: germline.
Comment: This sequence change replaces threonine, which is neutral and polar, with isoleucine, which is neutral and non-polar, at codon 1343 of the NLRP1 protein (p.Thr1343Ile). This variant is not present in population databases (gnomAD no frequency). This variant has not been reported in the literature in individuals affected with NLRP1-related conditions. ClinVar contains an entry for this variant (Variation ID: 1350876). Algorithms developed to predict the effect of missense changes on protein structure and function output the following: SIFT: "Not Available"; PolyPhen-2: "Benign"; Align-GVGD: "Not Available". The isoleucine amino acid residue is found in multiple mammalian species, which suggests that this missense change does not adversely affect protein function. In summary, the available evidence is currently insufficient to determine the role of this variant in disease. Therefore, it has been classified as a Variant of Uncertain Significance.

NM_033004.4(NLRP1):c.4028C>T (p.Thr1343Ile)

Gene: NLRP1 (NLR family pyrin domain containing 1; minus strand). Cytogenetic location: 17p13.2.
Variant type: single nucleotide variant.
Coding change: c.4028C>T on transcript NM_033004.4 (MANE Select); coding-DNA position 4028, C replaced by T.
Protein change: p.Thr1343Ile; replaces threonine 1343 with isoleucine.
Molecular consequence: missense variant.
Genome position (GRCh38, 1-based): chr17:5,517,775, G>A on the plus strand (C>T on the coding strand, the complement: NLRP1 is on the minus strand). VCF-style: chr17-5517775-G-A. GRCh37 (hg19) VCF-style: chr17-5421095-G-A.
Other names: c.4040C>T, p.Thr1347Ile (NM_001033053.3); c.3896C>T, p.Thr1299Ile (NM_014922.5); c.3938C>T, p.Thr1313Ile (NM_033006.4); c.3806C>T, p.Thr1269Ile (NM_033007.4); short protein forms T1313I, T1343I, T1347I, T1269I, T1299I.
Identifiers: ClinVar variation 1350876 (VCV001350876.8), dbSNP rs1354987616, ClinGen allele CA397388393.